The following is an entry in ClinVar:

ClinVar aggregate classification (germline): Likely benign. Review status: criteria provided, multiple submitters, no conflicts (2 of 4 stars). 2 submissions from 2 submitters: Likely benign (2). Last evaluated 2025-07-01.

Allele frequency attached by ClinVar (database versions not stated): ExAC 0.00070; gnomAD 0.00378; 1000 Genomes Project 30x 0.00515.

Submissions (2):

CeGaT Center for Human Genetics Tuebingen
Classification: Likely benign. Last evaluated: 2025-07-01. Review status: criteria provided, single submitter. Criteria: CeGaT Center For Human Genetics Tuebingen Variant Classification Criteria Version 2. Collection method: clinical testing. Allele origin: germline. Affected: yes. Observed: 4 variant alleles.
Comment: SFTPA2: BP4, BP7

Blueprint Genetics
Classification: Likely benign. Last evaluated: 2024-11-07. Review status: criteria provided, single submitter. Criteria: ACMG Guidelines, 2015. Collection method: clinical testing. Allele origin: germline.

NM_001098668.4(SFTPA2):c.606T>C (p.Asp202=)

Gene: SFTPA2 (surfactant protein A2; minus strand). Cytogenetic location: 10q22.3.
Variant type: single nucleotide variant.
Coding change: c.606T>C on transcript NM_001098668.4 (MANE Select); coding-DNA position 606, T replaced by C.
Protein change: p.Asp202=; no amino-acid change (aspartic acid 202 retained).
Molecular consequence: synonymous variant.
Genome position (GRCh38, 1-based): chr10:79,557,350, A>G on the plus strand (T>C on the coding strand, the complement: SFTPA2 is on the minus strand). VCF-style: chr10-79557350-A-G. GRCh37 (hg19) VCF-style: chr10-81317106-A-G.
Other names: c.606T>C, p.Asp202= (NM_001320813.2); c.636T>C, p.Asp212= (NM_001320814.1).
Identifiers: ClinVar variation 2640641 (VCV002640641.25), dbSNP rs17880902, ClinGen allele CA5574001.